The following is an entry in ClinVar:

ClinVar aggregate classification (germline): Uncertain significance. Review status: criteria provided, multiple submitters, no conflicts (2 of 4 stars). 4 submissions from 4 submitters: Uncertain significance (3). 1 of the submissions does not count toward it. Last evaluated 2023-07-31.

Conditions:
Inborn genetic diseases. Identifiers: MedGen C0950123, MeSH D030342.
Retinal dystrophy. Also called: Inherited retinal dystrophy. Identifiers: Orphanet 71862, MedGen C0854723, MeSH D058499, MONDO:0019118, HP:0000556.

Allele frequency attached by ClinVar (database versions not stated): gnomAD exomes below 0.00001 and 0.00001; ExAC 0.00001.
gnomAD v4.1: 8 of 1,607,566 alleles (0.0005%); highest among the groups gnomAD compares: Non-Finnish European, 0.00068%; no homozygotes.

Submissions (4):

Labcorp Genetics (formerly Invitae), Labcorp
Classification: Uncertain significance. Last evaluated: 2023-07-31. Review status: criteria provided, single submitter. Criteria: Invitae Variant Classification Sherloc (09022015). Collection method: clinical testing. Allele origin: germline.
Comment: This variant is present in population databases (rs755662756, gnomAD 0.0009%). This variant has not been reported in the literature in individuals affected with SNRNP200-related conditions. ClinVar contains an entry for this variant (Variation ID: 1050967). Advanced modeling of protein sequence and biophysical properties (such as structural, functional, and spatial information, amino acid conservation, physicochemical variation, residue mobility, and thermodynamic stability) performed at Invitae indicates that this missense variant is expected to disrupt SNRNP200 protein function. In summary, the available evidence is currently insufficient to determine the role of this variant in disease. Therefore, it has been classified as a Variant of Uncertain Significance. This sequence change replaces asparagine, which is neutral and polar, with aspartic acid, which is acidic and polar, at codon 1159 of the SNRNP200 protein (p.Asn1159Asp).

Ambry Genetics
Classification: Uncertain significance for Inborn genetic diseases. Last evaluated: 2021-12-13. Review status: criteria provided, single submitter. Criteria: Ambry Variant Classification Scheme 2023. Collection method: clinical testing. Allele origin: germline.

Blueprint Genetics
Classification: Uncertain significance. Last evaluated: 2018-10-24. Review status: criteria provided, single submitter. Criteria: ACMG Guidelines, 2015. Collection method: clinical testing. Allele origin: germline.

Institute of Human Genetics, Univ. Regensburg, Univ. Regensburg
Classification: Uncertain significance for Retinal dystrophy. Last evaluated: 2022-01-01. Review status: no assertion criteria provided. Criteria: ACMG Guidelines, 2015. Collection method: clinical testing. Allele origin: germline. Affected: yes. Not counted in ClinVar's aggregate classification.

NM_014014.5(SNRNP200):c.3475A>G (p.Asn1159Asp)

Gene: SNRNP200 (small nuclear ribonucleoprotein U5 subunit 200; minus strand). Cytogenetic location: 2q11.2.
Variant type: single nucleotide variant.
Coding change: c.3475A>G on transcript NM_014014.5 (MANE Select); coding-DNA position 3475, A replaced by G.
Protein change: p.Asn1159Asp; replaces asparagine 1159 with aspartic acid.
Molecular consequence: missense variant.
Genome position (GRCh38, 1-based): chr2:96,287,448, T>C on the plus strand (A>G on the coding strand, the complement: SNRNP200 is on the minus strand). VCF-style: chr2-96287448-T-C. GRCh37 (hg19) VCF-style: chr2-96953186-T-C.
Other names: c.3475A>G (NM_014014.4); short protein forms N1159D.
Identifiers: ClinVar variation 1050967 (VCV001050967.12), dbSNP rs755662756, ClinGen allele CA1778456.